The following is an entry in ClinVar:

ClinVar aggregate classification (germline): Likely benign. Review status: criteria provided, multiple submitters, no conflicts (2 of 4 stars). 3 submissions from 3 submitters: Likely benign (2). 1 of the submissions does not count toward it. Last evaluated 2025-03-18.

Conditions:
COL4A1-related disorder. Also called: COL4A1-related condition; COL4A1-related disorders. Identifiers: MedGen CN376119, MONDO:0800461.

Allele frequency attached by ClinVar (database versions not stated): gnomAD 0.00001; gnomAD exomes 0.00001; TOPMed 0.00001; ExAC 0.00004.
gnomAD v4.1: 23 of 1,613,456 alleles (0.0014%); highest among the groups gnomAD compares: South Asian, 0.0077%; no homozygotes.

Submissions (3):

Labcorp Genetics (formerly Invitae), Labcorp
Classification: Likely benign. Last evaluated: 2025-03-18. Review status: criteria provided, single submitter. Criteria: Invitae Variant Classification Sherloc (09022015). Collection method: clinical testing. Allele origin: germline.

Blueprint Genetics
Classification: Likely benign. Last evaluated: 2023-05-15. Review status: criteria provided, single submitter. Criteria: ACMG Guidelines, 2015. Collection method: clinical testing. Allele origin: germline.

PreventionGenetics, part of Exact Sciences
Classification: Likely benign for COL4A1-related condition. Last evaluated: 2023-11-15. Review status: no assertion criteria provided. Collection method: clinical testing. Allele origin: germline. Not counted in ClinVar's aggregate classification.
Comment: This variant is classified as likely benign based on ACMG/AMP sequence variant interpretation guidelines (Richards et al. 2015 PMID: 25741868, with internal and published modifications).

NM_001845.6(COL4A1):c.3645G>A (p.Pro1215=)

Gene: COL4A1 (collagen type IV alpha 1 chain; minus strand). Cytogenetic location: 13q34.
Variant type: single nucleotide variant.
Coding change: c.3645G>A on transcript NM_001845.6 (MANE Select); coding-DNA position 3645, G replaced by A.
Protein change: p.Pro1215=; no amino-acid change (proline 1215 retained).
Molecular consequence: synonymous variant.
Genome position (GRCh38, 1-based): chr13:110,170,644, C>T on the plus strand (G>A on the coding strand, the complement: COL4A1 is on the minus strand). VCF-style: chr13-110170644-C-T. GRCh37 (hg19) VCF-style: chr13-110822991-C-T.
Other names: c.3645G>A (NM_001845.5).
Identifiers: ClinVar variation 2413834 (VCV002413834.10), dbSNP rs765336200, ClinGen allele CA7047184.
Genomic context (GRCh38, chr13:110,170,644, plus strand): 5'-TTTGGGCCCCTCCGTGGCATGGCCTGGGGATCCCGGTAACCCCGGCTGTCCCTGGGGCCC[C>T]GGAGGACCCATGAATCCTTGCTCTCCTTTGGATCCAGGAATTCCTGGGCTCCCGGCTAAT-3'
Protein context (NP_001836.3, residues 1205-1225): SKGEQGFMGP[Pro1215=]GPQGQPGLPG